The following is an entry in ClinVar:

ClinVar aggregate classification (germline): Uncertain significance. Review status: criteria provided, multiple submitters, no conflicts (2 of 4 stars). 2 submissions from 2 submitters: Uncertain significance (2). Last evaluated 2024-11-11.

Conditions:
Inborn genetic diseases. Identifiers: MedGen C0950123, MeSH D030342.

Allele frequency attached by ClinVar (database versions not stated): gnomAD 0.00004; ExAC 0.00006; gnomAD exomes 0.00006; TOPMed 0.00006; ESP Exome Variant Server 0.00008.
gnomAD v4.1: 56 of 1,614,080 alleles (0.0035%); highest among the groups gnomAD compares: East Asian, 0.013%; no homozygotes.

Submissions (2):

Labcorp Genetics (formerly Invitae), Labcorp
Classification: Uncertain significance. Last evaluated: 2024-11-11. Review status: criteria provided, single submitter. Criteria: Invitae Variant Classification Sherloc (09022015). Collection method: clinical testing. Allele origin: germline.
Comment: This sequence change replaces threonine, which is neutral and polar, with methionine, which is neutral and non-polar, at codon 1089 of the PCDH12 protein (p.Thr1089Met). This variant is present in population databases (rs141387550, gnomAD 0.03%). This variant has not been reported in the literature in individuals affected with PCDH12-related conditions. ClinVar contains an entry for this variant (Variation ID: 1484969). Invitae Evidence Modeling of protein sequence and biophysical properties (such as structural, functional, and spatial information, amino acid conservation, physicochemical variation, residue mobility, and thermodynamic stability) indicates that this missense variant is not expected to disrupt PCDH12 protein function with a negative predictive value of 95%. In summary, the available evidence is currently insufficient to determine the role of this variant in disease. Therefore, it has been classified as a Variant of Uncertain Significance.

Ambry Genetics
Classification: Uncertain significance for Inborn genetic diseases. Last evaluated: 2021-08-11. Review status: criteria provided, single submitter. Criteria: Ambry Variant Classification Scheme 2023. Collection method: clinical testing. Allele origin: germline.

NM_016580.4(PCDH12):c.3266C>T (p.Thr1089Met)

Gene: PCDH12 (protocadherin 12; minus strand). Cytogenetic location: 5q31.3.
Variant type: single nucleotide variant.
Coding change: c.3266C>T on transcript NM_016580.4 (MANE Select); coding-DNA position 3266, C replaced by T.
Protein change: p.Thr1089Met; replaces threonine 1089 with methionine.
Molecular consequence: missense variant.
Genome position (GRCh38, 1-based): chr5:141,945,670, G>A on the plus strand (C>T on the coding strand, the complement: PCDH12 is on the minus strand). VCF-style: chr5-141945670-G-A. GRCh37 (hg19) VCF-style: chr5-141325235-G-A.
Other names: c.3266C>T (NM_016580.2); short protein forms T1089M.
Identifiers: ClinVar variation 1484969 (VCV001484969.6), dbSNP rs141387550, ClinGen allele CA3484006.